The following is an entry in ClinVar:

NM_003482.4(KMT2D):c.7175_7176del (p.Pro2392fs)

Gene: KMT2D (lysine methyltransferase 2D; minus strand). Cytogenetic location: 12q13.12.
Variant type: Deletion.
Coding change: c.7175_7176del on transcript NM_003482.4 (MANE Select); coding-DNA positions 7175 to 7176, 2 bases deleted (CT; older notation c.7175_7176delCT).
Protein change: p.Pro2392fs; shifts the reading frame from proline 2392.
Molecular consequence: frameshift variant.
Genome position (GRCh38, 1-based): chr12:49,040,594-49,040,595, AG deleted on the plus strand (CT on the coding strand, the reverse complement: KMT2D is on the minus strand). VCF-style (leftmost placement, unchanged base first): chr12-49040593-CAG-C. GRCh37 (hg19) VCF-style: chr12-49434376-CAG-C.
Other names: short protein forms P2392fs.
Identifiers: ClinVar variation 4728776 (VCV004728776.1).

ClinVar aggregate classification (germline): Pathogenic (1 of 4 stars; one submission).

Conditions:
Kabuki syndrome. Also called: Kabuki make-up syndrome; NIIKAWA-KUROKI SYNDROME. Identifiers: Orphanet 2322, MedGen C0796004, MONDO:0016512.

Submission:

Labcorp Genetics (formerly Invitae), Labcorp
Classification: Pathogenic for Kabuki syndrome. Last evaluated: 2025-10-09. Review status: criteria provided, single submitter. Criteria: Invitae Variant Classification Sherloc (09022015). Collection method: clinical testing. Allele origin: germline.
Comment: This sequence change creates a premature translational stop signal (p.Pro2392Argfs*41) in the KMT2D gene. It is expected to result in an absent or disrupted protein product. Loss-of-function variants in KMT2D are known to be pathogenic (PMID: 22126750). This variant is not present in population databases (gnomAD no frequency). This variant has not been reported in the literature in individuals affected with KMT2D-related conditions. For these reasons, this variant has been classified as Pathogenic.

Literature cited by the submitters: PubMed 22126750.